The following is an entry in ClinVar:

ClinVar aggregate classification (germline): Likely pathogenic (1 of 4 stars; one submission).

Submission:

Genetics Laboratory, UDIAT-Centre Diagnòstic, Hospital Universitari Parc Tauli
Classification: Likely pathogenic. Last evaluated: 2021-04-26. Review status: criteria provided, single submitter. Criteria: Parc Tauli Hospital Assertion Criteria 2021. Collection method: clinical testing. Allele origin: maternal. Inheritance: Autosomal dominant inheritance. Affected: yes. Observed: 1 heterozygote.
Comment: PVS1_very strong;PM2_supporting

NM_006265.3(RAD21):c.628G>T (p.Glu210Ter)

Gene: RAD21 (RAD21 cohesin complex component; minus strand). Cytogenetic location: 8q24.11.
Variant type: single nucleotide variant.
Coding change: c.628G>T on transcript NM_006265.3 (MANE Select); coding-DNA position 628, G replaced by T.
Protein change: p.Glu210Ter; replaces glutamic acid 210 with a stop codon.
Molecular consequence: nonsense.
Genome position (GRCh38, 1-based): chr8:116,857,327, C>A on the plus strand (G>T on the coding strand, the complement: RAD21 is on the minus strand). VCF-style: chr8-116857327-C-A. GRCh37 (hg19) VCF-style: chr8-117869566-C-A.
Other names: short protein forms E210*.
Identifiers: ClinVar variation 1098329 (VCV001098329.2), dbSNP rs2130469189, ClinGen allele CA372006224.